The following is an entry in ClinVar:

NM_004168.4(SDHA):c.1969_1970inv (p.Val657Thr)

Gene: SDHA (succinate dehydrogenase complex flavoprotein subunit A; plus strand). Cytogenetic location: 5p15.33.
Variant type: Inversion.
Coding change: c.1969_1970inv on transcript NM_004168.4 (MANE Select).
Protein change: p.Val657Thr; replaces valine 657 with threonine.
Molecular consequence: missense variant.
Genome position: GRCh38 VCF-style: chr5-256394-GT-AC. GRCh37 (hg19) VCF-style: chr5-256509-GT-AC.
Other names: c.1825_1826inv, p.Val609Thr (NM_001294332.2); c.1726_1727inv, p.Val576Thr (NM_001330758.2); short protein forms V576T, V609T, V657T.
Identifiers: ClinVar variation 3951346 (VCV003951346.1).

ClinVar aggregate classification (germline): Uncertain significance (1 of 4 stars; one submission).

Conditions:
Hereditary cancer-predisposing syndrome. Also called: Tumor predisposition; Hereditary neoplastic syndrome; Hereditary Cancer Syndrome; Neoplastic Syndromes, Hereditary. Identifiers: Orphanet 140162, MedGen C0027672, MeSH D009386, MONDO:0015356.

Submission:

Ambry Genetics
Classification: Uncertain significance for Hereditary cancer-predisposing syndrome. Last evaluated: 2025-05-06. Review status: criteria provided, single submitter. Criteria: Ambry Variant Classification Scheme 2023. Collection method: clinical testing. Allele origin: germline.
Comment: The c.1969_1970delGTinsAC variant (also known as p.V657T), located in coding exon 15 of the SDHA gene, results from an in-frame deletion of GT and insertion of AC at nucleotide positions 1969 to 1970. This results in the substitution of the valine residue for a threonine residue at codon 657, an amino acid with similar properties. This amino acid position is well conserved in available vertebrate species. In addition, the in silico prediction for this alteration is inconclusive (Choi Y et al. PLoS ONE. 2012; 7(10):e46688). Based on the available evidence, the clinical significance of this variant remains unclear.